The following is an entry in ClinVar:

NM_001079866.2(BCS1L):c.-50+7G>C

Genes: BCS1L (BCS1 homolog, ubiquinol-cytochrome c reductase complex chaperone; plus strand), LOC129935609 (ATAC-STARR-seq lymphoblastoid active region 17127; plus strand). Cytogenetic location: 2q35.
Variant type: single nucleotide variant.
Coding change: c.-50+7G>C on transcript NM_001079866.2 (MANE Select); 7 bases into the intron after 50 bases upstream of the start codon, G replaced by C.
Molecular consequence: intron variant. On other transcripts: 5 prime UTR variant (9).
Genome position (GRCh38, 1-based): chr2:218,659,750, G>C. VCF-style: chr2-218659750-G-C. GRCh37 (hg19) VCF-style: chr2-219524473-G-C.
Other names: c.-100G>C (NM_001257344.2); c.-215G>C (NM_001320717.2); c.-1048G>C (NM_001371446.1); c.-226G>C (NM_001371448.1); c.-721G>C (NM_001371450.1); c.-1039G>C (NM_001371451.1); c.-1197G>C (NM_001371454.1); c.-1238G>C (NM_001374085.1); and 13 more.
Identifiers: ClinVar variation 668251 (VCV000668251.1), dbSNP rs529379099, ClinGen allele CA65807544.

ClinVar aggregate classification (germline): Likely benign (1 of 4 stars; one submission).

Allele frequency attached by ClinVar (database versions not stated): TOPMed 0.00022; gnomAD 0.00028 and 0.00031; 1000 Genomes Project 0.00060; 1000 Genomes Project 30x 0.00078.

Submission:

GeneDx
Classification: Likely benign. Last evaluated: 2018-04-23. Review status: criteria provided, single submitter. Criteria: GeneDx Variant Classification (06012015). Collection method: clinical testing. Allele origin: germline. Affected: yes.
Comment: This variant is considered likely benign or benign based on one or more of the following criteria: it is a conservative change, it occurs at a poorly conserved position in the protein, it is predicted to be benign by multiple in silico algorithms, and/or has population frequency not consistent with disease.